The following is an entry in ClinVar:

ClinVar aggregate classification (germline): Uncertain significance. Review status: criteria provided, multiple submitters, no conflicts (2 of 4 stars). 3 submissions from 3 submitters: Uncertain significance (3). Last evaluated 2026-08-21.

Conditions:
ABCB11-related disorder. Also called: ABCB11-related condition.
Familial intrahepatic cholestasis. Identifiers: Orphanet 284385, MedGen CN296401, MONDO:0017290.
Progressive familial intrahepatic cholestasis type 2. Identifiers: Orphanet 79304, MedGen C3489789, MONDO:0011156, OMIM 601847.

gnomAD v4.1: 8 of 1,611,144 alleles (0.0005%); highest among the groups gnomAD compares: Admixed American, 0.0017%; no homozygotes.

Submissions (3):

PreventionGenetics, part of Exact Sciences
Classification: Uncertain significance for ABCB11-related condition. Last evaluated: 2026-08-21. Review status: criteria provided, single submitter. Criteria: ACMG Guidelines, 2015. Collection method: clinical testing. Allele origin: germline.
Comment: The ABCB11 c.611+4A>G variant is predicted to interfere with splicing. This variant is predicted to alter splicing based on available splicing prediction programs (SpliceAI, Jaganathan et al. 2019. PubMed ID: 30661751). This variant has been reported along with a second variant in this gene in at least one individual with cholestasis (Hertel et al. 2021. PubMed ID: 34016879; Evason et al. 2011. PubMed ID: 21490445). Although we suspect that this variant may be pathogenic, at this time, the clinical significance of this variant is uncertain due to the absence of conclusive functional and genetic evidence.

Genomenon, Inc
Classification: Uncertain significance for Familial intrahepatic cholestasis. Last evaluated: 2026-04-14. Review status: criteria provided, single submitter. Criteria: Genomenon Sequence Variant Interpretation Standards - Updated. Collection method: curation. Allele origin: germline. Affected: yes.
Comment: ABCB11 c.611+4A>G is an intronic variant located in the donor splice region of intron 7. This variant has been observed in at least one proband with an ABCB11-related disorder (PMID:21490445). It is absent or not present at a significant frequency in gnomAD. In silico models predict that this variant is possibly or probably damaging. In conclusion, we classify ABCB11 c.611+4A>G as a variant of uncertain significance.

Broad Center for Mendelian Genomics, Broad Institute of MIT and Harvard
Classification: Uncertain significance for Progressive familial intrahepatic cholestasis type 2. Last evaluated: 2025-01-30. Review status: criteria provided, single submitter. Criteria: ACMG Guidelines, 2015. Collection method: curation. Allele origin: germline. Inheritance: Autosomal recessive inheritance.
Comment: The c.611+4A>G variant in ABCB11 has been reported in 2 individuals with BSEP deficiency (PMID: 34016879), and has been identified in 0.002% (1/59724) of Admixed American chromosomes by the Genome Aggregation Database (gnomAD; dbSNP rs780248854). Although this variant has been seen in the general population in a heterozygous state, its frequency is low enough to be consistent with a recessive carrier frequency. Of the 2 affected individuals, 1 was a compound heterozygote that carried a reported pathogenic variant with unknown phase, which increases the likelihood that the c.611+4G>A variant is pathogenic. Computational prediction tools and conservation analyses suggest that this variant may impact the protein, though this information is not predictive enough to determine pathogenicity. One additional pathogenic variant, predicted to induce the same splicing effect as this variant, have been reported in ClinVar as being associated with BSEP deficiency, supporting that c.611+4A>G may be pathogenic (PMID:16871584, 25771912; Variation ID: 1526234 ). In summary, while there is some suspicion for a pathogenic role, the clinical significance of this variant is uncertain. ACMG/AMP Criteria applied PP3, PM2_supporting, PM3_supporting, PS1_moderate (Richards 2015).

Literature cited by the submitters: PubMed 21490445 (cited by Genomenon, Inc).

NM_003742.4(ABCB11):c.611+4A>G

Gene: ABCB11 (ATP binding cassette subfamily B member 11; minus strand). Cytogenetic location: 2q31.1.
Variant type: single nucleotide variant.
Coding change: c.611+4A>G on transcript NM_003742.4 (MANE Select); 4 bases into the intron after coding-DNA position 611, A replaced by G.
Molecular consequence: intron variant.
Genome position (GRCh38, 1-based): chr2:168,995,345, T>C on the plus strand (A>G on the coding strand, the complement: ABCB11 is on the minus strand). VCF-style: chr2-168995345-T-C. GRCh37 (hg19) VCF-style: chr2-169851855-T-C.
Other names: NM_003742.4:c.611+4A>G; c.611+4A>G (NM_003742.2).
Identifiers: ClinVar variation 3776879 (VCV003776879.3).